The following is an entry in ClinVar:

NM_001366521.1(ATP2B1):c.2533G>T (p.Gly845Ter)

Gene: ATP2B1 (ATPase plasma membrane Ca2+ transporting 1; minus strand). Cytogenetic location: 12q21.33.
Variant type: single nucleotide variant.
Coding change: c.2533G>T on transcript NM_001366521.1 (MANE Select); coding-DNA position 2533, G replaced by T.
Protein change: p.Gly845Ter; replaces glycine 845 with a stop codon.
Molecular consequence: nonsense.
Genome position (GRCh38, 1-based): chr12:89,604,256, C>A on the plus strand (G>T on the coding strand, the complement: ATP2B1 is on the minus strand). VCF-style: chr12-89604256-C-A. GRCh37 (hg19) VCF-style: chr12-89998033-C-A.
Other names: c.2533G>T, p.Gly845Ter (NM_001413049.1, NM_001413050.1, NM_001001323.2 and 12 more transcripts); c.2392G>T, p.Gly798Ter (NM_001413051.1, NM_001413052.1, NM_001413055.1); c.2335G>T, p.Gly779Ter (NM_001413053.1, NM_001366530.1); c.2290G>T, p.Gly764Ter (NM_001413054.1); c.2278G>T, p.Gly760Ter (NM_001413056.1); c.2080G>T, p.Gly694Ter (NM_001413057.1); c.1972G>T, p.Gly658Ter (NM_001413058.1, NM_001366531.1, NM_001366532.1 and 2 more transcripts); c.2494G>T, p.Gly832Ter (NM_001413048.1); short protein forms G760*, G764*, G832*, G798*, G694*, G845*, G658*, G779*.
Identifiers: ClinVar variation 2317380 (VCV002317380.3), dbSNP rs2540804052, ClinGen allele CA386003937.

ClinVar aggregate classification (germline): Pathogenic (1 of 4 stars; one submission).

Conditions:
Inborn genetic diseases. Identifiers: MedGen C0950123, MeSH D030342.

Submission:

Ambry Genetics
Classification: Pathogenic for Inborn genetic diseases. Last evaluated: 2025-10-30. Review status: criteria provided, single submitter. Criteria: Ambry Variant Classification Scheme 2023. Collection method: clinical testing. Allele origin: germline.
Comment: The c.2533G>T (p.G845*) alteration, located in coding exon 15 of the ATP2B1 gene, consists of a G to T substitution at nucleotide position 2533. This changes the amino acid from a glycine (G) to a stop codon at amino acid position 845. This alteration is expected to result in loss of function by premature protein truncation or nonsense-mediated mRNA decay. This variant was not reported in population-based cohorts in the Genome Aggregation Database (gnomAD). Based on the available evidence, this alteration is classified as pathogenic.